The following is an entry in ClinVar:

GRCh37/hg19 17p11.2(chr17:17103571-19331028)x3

Genes: ALKBH5 (alkB homolog 5, RNA demethylase; plus strand), ATPAF2 (ATP synthase mitochondrial F1 complex assembly factor 2; minus strand), B9D1 (B9 domain containing 1; minus strand), COPS3 (COP9 signalosome subunit 3; minus strand), DRC3 (dynein regulatory complex subunit 3; plus strand) and 35 more. Cytogenetic location: 17p11.2.
Variant type: copy number gain.
Change: copy number 3 (three copies instead of two) of chr17:17,103,571-19,331,028 (2.23 Mb, GRCh37 coordinates, 1-based), cytogenetic band 17p11.2.
Identifiers: ClinVar variation 1808657 (VCV001808657.1).

ClinVar aggregate classification (germline): Pathogenic (1 of 4 stars; one submission).

Submission:

Quest Diagnostics Nichols Institute San Juan Capistrano
Classification: Pathogenic. Last evaluated: 2022-05-12. Review status: criteria provided, single submitter. Criteria: ACMG/ClinGen CNV Guidelines, 2019. Collection method: clinical testing. Allele origin: unknown.
Comment: The proximal 17p11.2 gain encompasses the critical region of the recurrent Potocki-Lupski syndrome region (OMIM 610883), which is a contiguous gene syndrome characterized by cognitive and behavioral problems (developmental delay, intellectual disability, autism spectrum disorder, attention, hyperactivity, withdrawal, anxiety) and hypotonia, oropharyngeal dysphagia leading to failure to thrive, congenital heart disease, hypoglycemia associated with growth hormone deficiency, and mildly dysmorphic facial features. The majority of affected individuals have a de novo duplication; however, parent-to-child transmission has been reported (GeneReviews [Internet]. Available from an online resource; Magoulas et al., Am J Med Genet A. 2014 Feb;164A(2):500-4. PMID: 24311450; Am J Hum Genet. 2010 Mar 12;86(3):462-70. PMID: 20188345).